The following is an entry in ClinVar:

ClinVar aggregate classification (germline): Uncertain significance (1 of 4 stars; one submission).

Conditions:
Immunodeficiency 19 (IMD19). Also called: CD3-DELTA DEFICIENCY; SEVERE COMBINED IMMUNODEFICIENCY, T CELL-NEGATIVE, B CELL-POSITIVE, NK CELL-POSITIVE; SCID, T CELL-NEGATIVE, B CELL-POSITIVE, NK CELL-POSITIVE; IMMUNODEFICIENCY 19, SEVERE COMBINED. Identifiers: MedGen C3810147, MONDO:0014280, OMIM 615617.

Submission:

Labcorp Genetics (formerly Invitae), Labcorp
Classification: Uncertain significance for Immunodeficiency 19. Last evaluated: 2022-07-12. Review status: criteria provided, single submitter. Criteria: Invitae Variant Classification Sherloc (09022015). Collection method: clinical testing. Allele origin: germline.
Comment: This sequence change replaces serine, which is neutral and polar, with arginine, which is basic and polar, at codon 95 of the CD3D protein (p.Ser95Arg). This variant is not present in population databases (gnomAD no frequency). This variant has not been reported in the literature in individuals affected with CD3D-related conditions. ClinVar contains an entry for this variant (Variation ID: 1042647). Algorithms developed to predict the effect of missense changes on protein structure and function are either unavailable or do not agree on the potential impact of this missense change (SIFT: "Deleterious"; PolyPhen-2: "Benign"; Align-GVGD: "Class C25"). In summary, the available evidence is currently insufficient to determine the role of this variant in disease. Therefore, it has been classified as a Variant of Uncertain Significance.

NM_000732.6(CD3D):c.285C>A (p.Ser95Arg)

Gene: CD3D (CD3 delta subunit of T-cell receptor complex; minus strand). Cytogenetic location: 11q23.3.
Variant type: single nucleotide variant.
Coding change: c.285C>A on transcript NM_000732.6 (MANE Select); coding-DNA position 285, C replaced by A.
Protein change: p.Ser95Arg; replaces serine 95 with arginine.
Molecular consequence: missense variant. On other transcripts: intron variant (1).
Genome position (GRCh38, 1-based): chr11:118,339,896, G>T on the plus strand (C>A on the coding strand, the complement: CD3D is on the minus strand). VCF-style: chr11-118339896-G-T. GRCh37 (hg19) VCF-style: chr11-118210611-G-T.
Other names: c.275-402C>A (NM_001040651.2); short protein forms S95R.
Identifiers: ClinVar variation 1042647 (VCV001042647.6), dbSNP rs1948285052, ClinGen allele CA382788454.